The following is an entry in ClinVar:

NM_000059.4(BRCA2):c.8053dup (p.Thr2685fs)

Gene: BRCA2 (BRCA2 DNA repair associated; plus strand). Cytogenetic location: 13q13.1.
Variant type: Duplication.
Coding change: c.8053dup on transcript NM_000059.4 (MANE Select); coding-DNA position 8053, one base duplicated (A; older notation c.8053dupA).
Protein change: p.Thr2685fs; shifts the reading frame from threonine 2685.
Molecular consequence: frameshift variant.
Genome position (GRCh38, 1-based): chr13:32,363,255, A duplicated; the last of 5 consecutive A bases (chr13:32,363,251-32,363,255); duplicating any one gives the same sequence. VCF-style (leftmost placement, unchanged base first): chr13-32363250-C-CA. GRCh37 (hg19) VCF-style: chr13-32937387-C-CA.
Other names: c.8053dupA (NM_000059.3); short protein forms T2685fs.
Identifiers: ClinVar variation 52487 (VCV000052487.14), dbSNP rs397507958, ClinGen allele CA025422.

ClinVar aggregate classification (germline): Pathogenic. Review status: reviewed by expert panel (3 of 4 stars). 4 submissions from 4 submitters: Pathogenic (1). 3 of the submissions do not count toward it. Last evaluated 2016-09-08.

Conditions:
Hereditary cancer-predisposing syndrome. Also called: Neoplastic Syndromes, Hereditary; Tumor predisposition; Hereditary neoplastic syndrome; Hereditary Cancer Syndrome. Identifiers: Orphanet 140162, MedGen C0027672, MeSH D009386, MONDO:0015356.
Hereditary breast ovarian cancer syndrome. Also called: Hereditary breast and ovarian cancer syndrome; Hereditary breast and ovarian cancer; Hereditary breast and ovarian cancer syndrome (HBOC); Breast and ovarian cancer; Hereditary breast and/or ovarian cancer syndrome; BRCA1- and BRCA2-Associated Hereditary Breast and Ovarian Cancer. Identifiers: Orphanet 145, MedGen C0677776, MeSH D061325, MONDO:0003582. Disease mechanism: loss of function.
Breast-ovarian cancer, familial, susceptibility to, 2 (BROVCA2). Also called: BRCA2 Hereditary Breast and Ovarian Cancer. Identifiers: Orphanet 145, MedGen C2675520, MONDO:0012933, OMIM 612555. Disease mechanism: loss of function.
Familial cancer of breast. Also called: BREAST CANCER, FAMILIAL; Hereditary breast cancer; hereditary breast carcinoma. Identifiers: Orphanet 227535, MedGen C0346153, MONDO:0016419, OMIM 114480. Disease mechanism: loss of function.

Submissions (4):

Evidence-based Network for the Interpretation of Germline Mutant Alleles (ENIGMA)
Classification: Pathogenic for Breast-ovarian cancer, familial, susceptibility to, 2. Last evaluated: 2016-09-08. Review status: reviewed by expert panel. Criteria: ENIGMA BRCA1/2 Classification Criteria (2015). Collection method: curation. Allele origin: germline.
Comment: Variant allele predicted to encode a truncated non-functional protein.

Ambry Genetics
Classification: Pathogenic for Hereditary cancer-predisposing syndrome. Last evaluated: 2023-04-13. Review status: criteria provided, single submitter. Criteria: Ambry Variant Classification Scheme 2023. Collection method: clinical testing. Allele origin: germline. Not counted in ClinVar's aggregate classification.
Comment: The c.8053dupA pathogenic mutation, located in coding exon 17 of the BRCA2 gene, results from a duplication of A at nucleotide position 8053, causing a translational frameshift with a predicted alternate stop codon (p.T2685Nfs*8). This alteration was identified in a Spanish patient with bilateral breast cancer and a family history of breast cancer (Llort G et al. Hum. Mutat. 2002 Mar;19:307). Of note, this alteration is also designated as 8281insA in the published literature. In addition to the clinical data presented in the literature, this alteration is expected to result in loss of function by premature protein truncation or nonsense-mediated mRNA decay. As such, this alteration is interpreted as a disease-causing mutation.

Baylor Genetics
Classification: Pathogenic for Familial cancer of breast. Last evaluated: 2022-04-28. Review status: criteria provided, single submitter. Criteria: ACMG Guidelines, 2015. Collection method: clinical testing. Allele origin: unknown. Not counted in ClinVar's aggregate classification.

Labcorp Genetics (formerly Invitae), Labcorp
Classification: Pathogenic for Hereditary breast ovarian cancer syndrome. Last evaluated: 2015-11-03. Review status: criteria provided, single submitter. Criteria: Invitae Variant Classification Sherloc (09022015). Collection method: clinical testing. Allele origin: germline. Not counted in ClinVar's aggregate classification.
Comment: For these reasons, this variant has been classified as Pathogenic. Truncating variants in BRCA2 are known to be pathogenic. This particular truncation has been reported in the literature in a family with breast cancer (PMID: 11857748). This variant is also known as 8281insA in the literature. This sequence change inserts 1 nucleotide in exon 18 of the BRCA2 mRNA (c.8053dupA), causing a frameshift at codon 2685. This creates a premature translational stop signal (p.Thr2685Asnfs*8) and is expected to result in an absent or disrupted protein product.

Literature cited by the submitters: PubMed 11857748 (cited by Ambry Genetics and Labcorp Genetics (formerly Invitae), Labcorp).